The following is an entry in ClinVar:

ClinVar aggregate classification (germline): Uncertain significance. Review status: criteria provided, multiple submitters, no conflicts (2 of 4 stars). 2 submissions from 2 submitters: Uncertain significance (2). Last evaluated 2026-08-28.

Conditions:
PLXNA2-related disorder. Also called: PLXNA2-related condition.

Allele frequency attached by ClinVar (database versions not stated): gnomAD 0.00001 and 0.00002; TOPMed 0.00004; ExAC 0.00014; gnomAD exomes 0.00014.
gnomAD v4.1: 66 of 1,614,042 alleles (0.0041%); highest among the groups gnomAD compares: South Asian, 0.057%; 1 homozygote.

Submissions (2):

PreventionGenetics, part of Exact Sciences
Classification: Uncertain significance for PLXNA2-related condition. Last evaluated: 2026-08-28. Review status: criteria provided, single submitter. Criteria: ACMG Guidelines, 2015. Collection method: clinical testing. Allele origin: germline.
Comment: The PLXNA2 c.520C>T variant is predicted to result in the amino acid substitution p.Arg174Cys. This variant was reported in two studies of individuals with autism spectrum disorder (Table S20, Fu et al. 2022. PubMed ID: 35982160; Table S1, Zhou et al. 2022. PubMed ID: 35982159). This variant is reported in 0.072% of alleles in individuals of South Asian descent in gnomAD. Although we suspect that this variant may be benign, at this time, the clinical significance of this variant is uncertain due to the absence of conclusive functional and genetic evidence.

Labcorp Genetics (formerly Invitae), Labcorp
Classification: Uncertain significance. Last evaluated: 2024-10-26. Review status: criteria provided, single submitter. Criteria: Invitae Variant Classification Sherloc (09022015). Collection method: clinical testing. Allele origin: germline.
Comment: This sequence change replaces arginine, which is basic and polar, with cysteine, which is neutral and slightly polar, at codon 174 of the PLXNA2 protein (p.Arg174Cys). This variant is present in population databases (rs774117379, gnomAD 0.07%), and has an allele count higher than expected for a pathogenic variant. This missense change has been observed in individual(s) with autism spectrum disorder (PMID: 35982159, 35982160). ClinVar contains an entry for this variant (Variation ID: 1382359). Invitae Evidence Modeling of protein sequence and biophysical properties (such as structural, functional, and spatial information, amino acid conservation, physicochemical variation, residue mobility, and thermodynamic stability) indicates that this missense variant is not expected to disrupt PLXNA2 protein function with a negative predictive value of 80%. In summary, the available evidence is currently insufficient to determine the role of this variant in disease. Therefore, it has been classified as a Variant of Uncertain Significance.

Literature cited by the submitters: PubMed 35982159 (cited by Labcorp Genetics (formerly Invitae), Labcorp); PubMed 35982160 (cited by Labcorp Genetics (formerly Invitae), Labcorp).

NM_025179.4(PLXNA2):c.520C>T (p.Arg174Cys)

Gene: PLXNA2 (plexin A2; minus strand). Cytogenetic location: 1q32.2.
Variant type: single nucleotide variant.
Coding change: c.520C>T on transcript NM_025179.4 (MANE Select); coding-DNA position 520, C replaced by T.
Protein change: p.Arg174Cys; replaces arginine 174 with cysteine.
Molecular consequence: missense variant.
Genome position (GRCh38, 1-based): chr1:208,217,403, G>A on the plus strand (C>T on the coding strand, the complement: PLXNA2 is on the minus strand). VCF-style: chr1-208217403-G-A. GRCh37 (hg19) VCF-style: chr1-208390748-G-A.
Other names: c.520C>T (NM_025179.3); short protein forms R174C.
Identifiers: ClinVar variation 1382359 (VCV001382359.7), dbSNP rs774117379, ClinGen allele CA1374061.